The following is an entry in ClinVar:

NM_000327.4(ROM1):c.340C>T (p.Leu114Phe)

Gene: ROM1 (retinal outer segment membrane protein 1; plus strand). Cytogenetic location: 11q12.3.
Variant type: single nucleotide variant.
Coding change: c.340C>T on transcript NM_000327.4 (MANE Select); coding-DNA position 340, C replaced by T.
Protein change: p.Leu114Phe; replaces leucine 114 with phenylalanine.
Molecular consequence: missense variant.
Genome position (GRCh38, 1-based): chr11:62,613,621, C>T. VCF-style: chr11-62613621-C-T. GRCh37 (hg19) VCF-style: chr11-62381093-C-T.
Other names: short protein forms L114F.
Identifiers: ClinVar variation 3676522 (VCV003676522.2).

ClinVar aggregate classification (germline): Uncertain significance (1 of 4 stars; one submission).

Submission:

Labcorp Genetics (formerly Invitae), Labcorp
Classification: Uncertain significance. Last evaluated: 2024-08-21. Review status: criteria provided, single submitter. Criteria: Invitae Variant Classification Sherloc (09022015). Collection method: clinical testing. Allele origin: germline.
Comment: This sequence change replaces leucine, which is neutral and non-polar, with phenylalanine, which is neutral and non-polar, at codon 114 of the ROM1 protein (p.Leu114Phe). This variant is not present in population databases (gnomAD no frequency). This variant has not been reported in the literature in individuals affected with ROM1-related conditions. Invitae Evidence Modeling of protein sequence and biophysical properties (such as structural, functional, and spatial information, amino acid conservation, physicochemical variation, residue mobility, and thermodynamic stability) indicates that this missense variant is not expected to disrupt ROM1 protein function with a negative predictive value of 80%. In summary, the available evidence is currently insufficient to determine the role of this variant in disease. Therefore, it has been classified as a Variant of Uncertain Significance.